The following is an entry in ClinVar:

ClinVar aggregate classification (germline): Pathogenic/Likely pathogenic. Review status: criteria provided, multiple submitters, no conflicts (2 of 4 stars). 3 submissions from 3 submitters: Pathogenic (1); Likely pathogenic (1). 1 of the submissions does not count toward it. Last evaluated 2025-11-10.

Conditions:
ACTB-associated syndromic thrombocytopenia (THC8). Also called: THROMBOCYTOPENIA 8, WITH DYSMORPHIC FEATURES AND DEVELOPMENTAL DELAY; THROMBOCYTOPENIA, AUTOSOMAL DOMINANT, 8. Identifiers: Orphanet 674653, MedGen C5882677, MONDO:0100433, OMIM 620475.
Baraitser-Winter syndrome 1 (BRWS1). Also called: PACHYGYRIA, MENTAL RETARDATION, EPILEPSY, AND CHARACTERISTIC FACIES; MENTAL RETARDATION WITH EPILEPSY AND CHARACTERISTIC FACIES; Cerebrofrontofacial syndrome; BARAITSER-WINTER SYNDROME 1, ATYPICAL. Identifiers: Orphanet 2649, Orphanet 2995, MedGen C1855722, MONDO:0009470, OMIM 243310.

Submissions (3):

Labcorp Genetics (formerly Invitae), Labcorp
Classification: Likely pathogenic for Baraitser-Winter syndrome 1. Last evaluated: 2025-11-10. Review status: criteria provided, single submitter. Criteria: Invitae Variant Classification Sherloc (09022015). Collection method: clinical testing. Allele origin: germline.
Comment: This sequence change replaces leucine, which is neutral and non-polar, with phenylalanine, which is neutral and non-polar, at codon 171 of the ACTB protein (p.Leu171Phe). This variant is not present in population databases (gnomAD no frequency). This missense change has been observed in individual(s) with clinical features of Baraitser-Winter syndrome (PMID: 30733661). In at least one individual the variant was observed to be de novo. ClinVar contains an entry for this variant (Variation ID: 2159436). Invitae Evidence Modeling of protein sequence and biophysical properties (such as structural, functional, and spatial information, amino acid conservation, physicochemical variation, residue mobility, and thermodynamic stability) indicates that this missense variant is not expected to disrupt ACTB protein function with a negative predictive value of 80%. In summary, the currently available evidence indicates that the variant is pathogenic, but additional data are needed to prove that conclusively. Therefore, this variant has been classified as Likely Pathogenic.

GeneDx
Classification: Pathogenic. Last evaluated: 2024-05-14. Review status: criteria provided, single submitter. Criteria: GeneDx Variant Classification Process June 2021. Collection method: clinical testing. Allele origin: germline. Affected: yes.
Comment: Not observed at significant frequency in large population cohorts (gnomAD); Missense variants in this gene are a common cause of disease and they are underrepresented in the general population; In silico analysis supports that this missense variant has a deleterious effect on protein structure/function; This variant is associated with the following publications: (PMID: 30733661, 38592426)

OMIM
Classification: Pathogenic for THROMBOCYTOPENIA 8, WITH DYSMORPHIC FEATURES AND DEVELOPMENTAL DELAY. Last evaluated: 2023-08-24. Review status: no assertion criteria provided. Collection method: literature only. Allele origin: germline. Not counted in ClinVar's aggregate classification.

Literature cited by the submitters: PubMed 30733661 (cited by Labcorp Genetics (formerly Invitae), Labcorp and OMIM).

NM_001101.5(ACTB):c.511C>T (p.Leu171Phe)

Gene: ACTB (actin beta; minus strand). Cytogenetic location: 7p22.1.
Variant type: single nucleotide variant.
Coding change: c.511C>T on transcript NM_001101.5 (MANE Select); coding-DNA position 511, C replaced by T.
Protein change: p.Leu171Phe; replaces leucine 171 with phenylalanine.
Molecular consequence: missense variant.
Genome position (GRCh38, 1-based): chr7:5,528,572, G>A on the plus strand (C>T on the coding strand, the complement: ACTB is on the minus strand). VCF-style: chr7-5528572-G-A. GRCh37 (hg19) VCF-style: chr7-5568203-G-A.
Other names: short protein forms L171F.
Identifiers: ClinVar variation 2159436 (VCV002159436.6), dbSNP rs2533847765, ClinGen allele CA366703190.